The following is an entry in ClinVar:

NM_025233.7(COASY):c.413C>T (p.Thr138Ile)

Gene: COASY (Coenzyme A synthase; plus strand). Cytogenetic location: 17q21.2.
Variant type: single nucleotide variant.
Coding change: c.413C>T on transcript NM_025233.7 (MANE Select); coding-DNA position 413, C replaced by T.
Protein change: p.Thr138Ile; replaces threonine 138 with isoleucine.
Molecular consequence: missense variant.
Genome position (GRCh38, 1-based): chr17:42,563,035, C>T. VCF-style: chr17-42563035-C-T. GRCh37 (hg19) VCF-style: chr17-40715053-C-T.
Other names: c.413C>T, p.Thr138Ile (NM_001042529.3); c.500C>T, p.Thr167Ile (NM_001042532.4); short protein forms T138I, T167I.
Identifiers: ClinVar variation 3627745 (VCV003627745.2).

ClinVar aggregate classification (germline): Uncertain significance (1 of 4 stars; one submission).

Conditions:
Neurodegeneration with brain iron accumulation 6 (NBIA6). Also called: COASY protein-associated neurodegeneration. Identifiers: Orphanet 397725, MedGen C4517377, MONDO:0014290, OMIM 615643.

gnomAD v4.1: 8 of 1,614,188 alleles (0.0005%); highest among the groups gnomAD compares: East Asian, 0.011%; no homozygotes.

Submission:

Labcorp Genetics (formerly Invitae), Labcorp
Classification: Uncertain significance for Neurodegeneration with brain iron accumulation 6. Last evaluated: 2024-04-25. Review status: criteria provided, single submitter. Criteria: Invitae Variant Classification Sherloc (09022015). Collection method: clinical testing. Allele origin: germline.
Comment: This sequence change replaces threonine, which is neutral and polar, with isoleucine, which is neutral and non-polar, at codon 138 of the COASY protein (p.Thr138Ile). This variant is present in population databases (rs746962904, gnomAD 0.01%). This variant has not been reported in the literature in individuals affected with COASY-related conditions. Advanced modeling of protein sequence and biophysical properties (such as structural, functional, and spatial information, amino acid conservation, physicochemical variation, residue mobility, and thermodynamic stability) performed at Invitae indicates that this missense variant is not expected to disrupt COASY protein function with a negative predictive value of 80%. In summary, the available evidence is currently insufficient to determine the role of this variant in disease. Therefore, it has been classified as a Variant of Uncertain Significance.